The following is an entry in ClinVar:

ClinVar aggregate classification (germline): Uncertain significance (1 of 4 stars; one submission).

Conditions:
Primary ciliary dyskinesia 3. Identifiers: Orphanet 244, MedGen C1837618, MONDO:0012085, OMIM 608644.

Submission:

3billion
Classification: Uncertain significance for Primary ciliary dyskinesia 3. Last evaluated: 2024-10-16. Review status: criteria provided, single submitter. Criteria: ACMG Guidelines, 2015. Collection method: clinical testing. Allele origin: germline. Affected: yes.
Comment: The variant is not observed in the gnomAD v4.1.0 dataset. Predicted Consequence/Location: Missense variant. The majority of the known disease-causing variants of this gene are variants expected to result in premature termination of the protein. Damaging effect on gene or gene product predicted by in silico programs is uncertain [REVEL: 0.40 (damaging >=0.6, benign <0.4), 3Cnet: 0.00 (damaging >=0.6, benign <0.15)]. Therefore, this variant is classified as VUS according to the recommendation of ACMG/AMP guideline.

NM_001369.3(DNAH5):c.6154A>T (p.Ile2052Phe)

Gene: DNAH5 (dynein axonemal heavy chain 5; minus strand). Cytogenetic location: 5p15.2.
Variant type: single nucleotide variant.
Coding change: c.6154A>T on transcript NM_001369.3 (MANE Select); coding-DNA position 6154, A replaced by T.
Protein change: p.Ile2052Phe; replaces isoleucine 2052 with phenylalanine.
Molecular consequence: missense variant.
Genome position (GRCh38, 1-based): chr5:13,830,121, T>A on the plus strand (A>T on the coding strand, the complement: DNAH5 is on the minus strand). VCF-style: chr5-13830121-T-A. GRCh37 (hg19) VCF-style: chr5-13830230-T-A.
Other names: short protein forms I2052F.
Identifiers: ClinVar variation 4292371 (VCV004292371.1).
Genomic context (GRCh38, chr5:13,830,121, plus strand): 5'-TCACATTATCTCCATCAGTAAAGATAAAAGACTTTTTGTGCTCCTTTTTACATGTCAGAA[T>A]AATGGAAATTTGCTGGGCTGCAACCGAGAGAACTGGTAGATCAATACGGTTAAATTCATC-3'
Protein context (NP_001360.1, residues 2042-2062): LSVAAQQISI[Ile2052Phe]LTCKKEHKKS